The following is an entry in ClinVar:

ClinVar aggregate classification (germline): Uncertain significance (1 of 4 stars; one submission).

Submission:

GeneDx
Classification: Uncertain significance. Last evaluated: 2026-04-01. Review status: criteria provided, single submitter. Criteria: GeneDx Variant Classification Process June 2021. Collection method: clinical testing. Allele origin: germline.
Comment: Not observed at significant frequency in large population cohorts (gnomAD); In silico analysis supports that this missense variant has a deleterious effect on protein structure/function; Has not been previously published as pathogenic or benign to our knowledge

NM_013450.4(BAZ2B):c.4087A>G (p.Arg1363Gly)

Gene: BAZ2B (bromodomain adjacent to zinc finger domain 2B; minus strand). Cytogenetic location: 2q24.2.
Variant type: single nucleotide variant.
Coding change: c.4087A>G on transcript NM_013450.4 (MANE Select); coding-DNA position 4087, A replaced by G.
Protein change: p.Arg1363Gly; replaces arginine 1363 with glycine.
Molecular consequence: missense variant.
Genome position (GRCh38, 1-based): chr2:159,373,171, T>C on the plus strand (A>G on the coding strand, the complement: BAZ2B is on the minus strand). VCF-style: chr2-159373171-T-C. GRCh37 (hg19) VCF-style: chr2-160229682-T-C.
Other names: c.3979A>G, p.Arg1327Gly (NM_001289975.1); c.3925A>G, p.Arg1309Gly (NM_001329857.2); c.4012A>G, p.Arg1338Gly (NM_001329858.2); short protein forms R1309G, R1327G, R1338G, R1363G.
Identifiers: ClinVar variation 5017981 (VCV005017981.1).
Genomic context (GRCh38, chr2:159,373,171, plus strand): 5'-TGTAACGATCTTGGCCAAACATCACTGAACGCAATGAGTGAGACGCATCAAAGAGCTTCC[T>C]TCTGTACTGACTCTGTTGCTGTTAAAAAAATGGTACATATAATTAGGTTTGGGATGTTAA-3'
Protein context (NP_038478.2, residues 1353-1373): KLSKQQSQYR[Arg1363Gly]KLFDASHSLR